The following is an entry in ClinVar:

ClinVar aggregate classification (germline): Benign/Likely benign. Review status: criteria provided, multiple submitters, no conflicts (2 of 4 stars). 2 submissions from 2 submitters: Benign (1); Likely benign (1). Last evaluated 2025-12-18.

Conditions:
GABRB1-related disorder. Also called: GABRB1-related condition.

Allele frequency attached by ClinVar (database versions not stated): gnomAD exomes 0.00003 and 0.00010; ExAC 0.00016; ESP Exome Variant Server 0.00038; gnomAD 0.00040 and 0.00041; TOPMed 0.00052; 1000 Genomes Project 0.00060; 1000 Genomes Project 30x 0.00062.
gnomAD v4.1: 115 of 1,612,640 alleles (0.0071%); highest among the groups gnomAD compares: African/African-American, 0.14%; 1 homozygote.

Submissions (2):

Labcorp Genetics (formerly Invitae), Labcorp
Classification: Benign. Last evaluated: 2025-12-18. Review status: criteria provided, single submitter. Criteria: Invitae Variant Classification Sherloc (09022015). Collection method: clinical testing. Allele origin: germline.

PreventionGenetics, part of Exact Sciences
Classification: Likely benign for GABRB1-related condition. Last evaluated: 2024-12-30. Review status: criteria provided, single submitter. Criteria: ACMG Guidelines, 2015. Collection method: clinical testing. Allele origin: germline.
Comment: This variant is classified as likely benign based on ACMG/AMP sequence variant interpretation guidelines (Richards et al. 2015 PMID: 25741868, with internal and published modifications).

NM_000812.4(GABRB1):c.300T>C (p.Ser100=)

Gene: GABRB1 (gamma-aminobutyric acid type A receptor subunit beta1; plus strand). Cytogenetic location: 4p12.
Variant type: single nucleotide variant.
Coding change: c.300T>C on transcript NM_000812.4 (MANE Select); coding-DNA position 300, T replaced by C.
Protein change: p.Ser100=; no amino-acid change (serine 100 retained).
Molecular consequence: synonymous variant.
Genome position (GRCh38, 1-based): chr4:47,161,308, T>C. VCF-style: chr4-47161308-T-C. GRCh37 (hg19) VCF-style: chr4-47163325-T-C.
Other names: c.300T>C (NM_000812.3).
Identifiers: ClinVar variation 1548570 (VCV001548570.9), dbSNP rs146577991, ClinGen allele CA2907579.